The following is an entry in ClinVar:

ClinVar aggregate classification (germline): Benign. Review status: criteria provided, multiple submitters, no conflicts (2 of 4 stars). 2 submissions from 2 submitters: Benign (2). Last evaluated 2018-01-12.

Conditions:
Factor V and factor VIII, combined deficiency of, type 1. Also called: Combined factor V and VIII deficiency; FAMILIAL MULTIPLE COAGULATION FACTOR DEFICIENCY I; MULTIPLE COAGULATION FACTOR DEFICIENCY I; FMFD I. Identifiers: Orphanet 35909, MedGen C4551981, MONDO:0009206, OMIM 227300.

Allele frequency attached by ClinVar (database versions not stated): TOPMed 0.27708; gnomAD 0.27866 and 0.27360; 1000 Genomes Project 30x 0.32292; 1000 Genomes Project 0.32608.

Submissions (2):

Illumina Laboratory Services, Illumina
Classification: Benign for Factor V and factor VIII, combined deficiency of, type 1. Last evaluated: 2018-01-12. Review status: criteria provided, single submitter. Criteria: ICSL Variant Classification Criteria 13 December 2019. Collection method: clinical testing. Allele origin: germline.
Comment: This variant was observed in the ICSL laboratory as part of a predisposition screen in an ostensibly healthy population. It had not been previously curated by ICSL or reported in the Human Gene Mutation Database (HGMD: prior to June 1st, 2018), and was therefore a candidate for classification through an automated scoring system. Utilizing variant allele frequency, disease prevalence and penetrance estimates, and inheritance mode, an automated score was calculated to assess if this variant is too frequent to cause the disease. Based on the score and internal cut-off values, a variant classified as benign is not then subjected to further curation. The score for this variant resulted in a classification of benign for this disease.

Breakthrough Genomics
Classification: Benign. Review status: criteria provided, single submitter. Criteria: ACMG Guidelines, 2015. Collection method: not provided. Allele origin: germline. Inheritance: Autosomal recessive inheritance. Affected: yes.

NM_005570.4(LMAN1):c.*2929T>C

Gene: LMAN1 (lectin, mannose binding 1; minus strand). Cytogenetic location: 18q21.32.
Variant type: single nucleotide variant.
Coding change: c.*2929T>C on transcript NM_005570.4 (MANE Select); 2929 bases downstream of the stop codon, T replaced by C.
Molecular consequence: 3 prime UTR variant.
Genome position (GRCh38, 1-based): chr18:59,328,164, A>G on the plus strand (T>C on the coding strand, the complement: LMAN1 is on the minus strand). VCF-style: chr18-59328164-A-G. GRCh37 (hg19) VCF-style: chr18-56995396-A-G.
Identifiers: ClinVar variation 327539 (VCV000327539.6), dbSNP rs4806, ClinGen allele CA10651982.
Genomic context (GRCh38, chr18:59,328,164, plus strand): 5'-CATGGACAGGGAAAGATAATCACACCTTAATATTCACAACTGCTATTTGTGTTCTTTACA[A>G]AAATTGTATCTCTGCAATGCAGTGAGGCAGGCAATCCCTTGTTCAAGTCATTTCTGTTTT-3'